The following is an entry in ClinVar:

ClinVar aggregate classification (germline): Uncertain significance (1 of 4 stars; one submission).

Submission:

Labcorp Genetics (formerly Invitae), Labcorp
Classification: Uncertain significance. Last evaluated: 2024-05-07. Review status: criteria provided, single submitter. Criteria: Invitae Variant Classification Sherloc (09022015). Collection method: clinical testing. Allele origin: germline.
Comment: This sequence change creates a premature translational stop signal (p.Ser7Leufs*23) in the CLCN6 gene. It is expected to result in an absent or disrupted protein product. However, the current clinical and genetic evidence is not sufficient to establish whether loss-of-function variants in CLCN6 cause disease. This variant is not present in population databases (gnomAD no frequency). This variant has not been reported in the literature in individuals affected with CLCN6-related conditions. In summary, the available evidence is currently insufficient to determine the role of this variant in disease. Therefore, it has been classified as a Variant of Uncertain Significance.

NM_001286.5(CLCN6):c.18del (p.Ser7fs)

Gene: CLCN6 (chloride voltage-gated channel 6; plus strand). Cytogenetic location: 1p36.22.
Variant type: Deletion.
Coding change: c.18del on transcript NM_001286.5 (MANE Select); coding-DNA position 18, one base deleted (G; older notation c.18delG).
Protein change: p.Ser7fs; shifts the reading frame from serine 7.
Molecular consequence: frameshift variant. On other transcripts: non-coding transcript variant (1).
Genome position (GRCh38, 1-based): chr1:11,806,280, G deleted; the last of 5 consecutive G bases (chr1:11,806,276-11,806,280); deleting any one gives the same sequence. VCF-style (leftmost placement, unchanged base first): chr1-11806275-AG-A. GRCh37 (hg19) VCF-style: chr1-11866332-AG-A.
Other names: c.18del, p.Ser7fs (NM_001256959.2); short protein forms S7fs.
Identifiers: ClinVar variation 2760204 (VCV002760204.3), dbSNP rs2523014522, ClinGen allele CA2643307999.